The following is an entry in ClinVar:

NM_001366145.2(TRPM3):c.4813C>T (p.Pro1605Ser)

Genes: KLF9-DT (KLF9 divergent transcript; plus strand), TRPM3 (transient receptor potential cation channel subfamily M member 3; minus strand). Cytogenetic location: 9q21.12.
Variant type: single nucleotide variant.
Coding change: c.4813C>T on transcript NM_001366145.2 (MANE Select); coding-DNA position 4813, C replaced by T.
Protein change: p.Pro1605Ser; replaces proline 1605 with serine.
Molecular consequence: missense variant. On other transcripts: intron variant (8).
Genome position (GRCh38, 1-based): chr9:70,536,300, G>A on the plus strand (C>T on the coding strand, the complement: TRPM3 is on the minus strand). VCF-style: chr9-70536300-G-A. GRCh37 (hg19) VCF-style: chr9-73151216-G-A.
Other names: c.4777C>T, p.Pro1593Ser (NM_001007471.4); c.4783C>T, p.Pro1595Ser (NM_001366141.2, NM_001366149.2); c.4888C>T, p.Pro1630Ser (NM_001366147.2); c.4318C>T, p.Pro1440Ser (NM_020952.6); c.4354C>T, p.Pro1452Ser (NM_024971.7); c.4288C>T, p.Pro1430Ser (NM_206944.5); c.4324C>T, p.Pro1442Ser (NM_206945.5); c.4393C>T, p.Pro1465Ser (NM_206946.5); and 9 more; short protein forms P1430S, P1442S, P1595S, P1455S, P1452S, P1465S, P1593S, P1630S.
Identifiers: ClinVar variation 4633711 (VCV004633711.3).

ClinVar aggregate classification (germline): Uncertain significance. Review status: criteria provided, multiple submitters, no conflicts (2 of 4 stars). 2 submissions from 2 submitters: Uncertain significance (2). Last evaluated 2025-12-31.

Conditions:
Inborn genetic diseases. Identifiers: MedGen C0950123, MeSH D030342.

gnomAD v4.1: 2 of 1,614,170 alleles (0.00012%); highest among the groups gnomAD compares: Admixed American, 0.0033%; no homozygotes.

Submissions (2):

Dasa
Classification: Uncertain significance. Last evaluated: 2025-12-31. Review status: criteria provided, single submitter. Criteria: DASA Assertion Criteria. Collection method: clinical testing. Allele origin: germline.
Comment: NM_001366145.2(TRPM3):c.4813C>T (p.Pro1605Ser) is a missense variant that results in the substitution of proline with serine. This variant is rare in population databases. Computational prediction algorithms are consistent with a benign effect. The currently available literature and clinical evidence are not sufficient to establish a definitive association between this variant and the reported condition. Therefore, this variant is classified as a variant of uncertain significance.

Ambry Genetics
Classification: Uncertain significance for Inborn genetic diseases. Last evaluated: 2025-12-04. Review status: criteria provided, single submitter. Criteria: Ambry Variant Classification Scheme 2023. Collection method: clinical testing. Allele origin: germline.